The following is an entry in ClinVar:

NM_000057.4(BLM):c.811A>G (p.Lys271Glu)

Gene: BLM (BLM RecQ like helicase; plus strand). Cytogenetic location: 15q26.1.
Variant type: single nucleotide variant.
Coding change: c.811A>G on transcript NM_000057.4 (MANE Select); coding-DNA position 811, A replaced by G.
Protein change: p.Lys271Glu; replaces lysine 271 with glutamic acid.
Molecular consequence: missense variant. On other transcripts: 5 prime UTR variant (1).
Genome position (GRCh38, 1-based): chr15:90,751,798, A>G. VCF-style: chr15-90751798-A-G. GRCh37 (hg19) VCF-style: chr15-91295028-A-G.
Other names: c.811A>G, p.Lys271Glu (NM_001287246.2, NM_001287247.2); c.-481A>G (NM_001287248.2); short protein forms K271E.
Identifiers: ClinVar variation 839459 (VCV000839459.10), dbSNP rs1895690937, ClinGen allele CA393841632.

ClinVar aggregate classification (germline): Uncertain significance (1 of 4 stars; one submission).

Conditions:
Bloom syndrome (BLM). Also called: Bloom-Torre-Machacek syndrome. Identifiers: Orphanet 125, MedGen C0005859, MONDO:0008876, OMIM 210900.

Submission:

Labcorp Genetics (formerly Invitae), Labcorp
Classification: Uncertain significance for Bloom syndrome. Last evaluated: 2019-05-30. Review status: criteria provided, single submitter. Criteria: Invitae Variant Classification Sherloc (09022015). Collection method: clinical testing. Allele origin: germline.
Comment: This variant has not been reported in the literature in individuals with BLM-related conditions. This variant is not present in population databases (ExAC no frequency). This sequence change replaces lysine with glutamic acid at codon 271 of the BLM protein (p.Lys271Glu). The lysine residue is weakly conserved and there is a small physicochemical difference between lysine and glutamic acid. In summary, the available evidence is currently insufficient to determine the role of this variant in disease. Therefore, it has been classified as a Variant of Uncertain Significance. Algorithms developed to predict the effect of missense changes on protein structure and function (SIFT, PolyPhen-2, Align-GVGD) all suggest that this variant is likely to be tolerated, but these predictions have not been confirmed by published functional studies and their clinical significance is uncertain.